The following is an entry in ClinVar:

ClinVar aggregate classification (germline): Uncertain significance (1 of 4 stars; one submission).

Allele frequency attached by ClinVar (database versions not stated): TOPMed 0.00002.
gnomAD v4.1: 4 of 1,614,194 alleles (0.00025%); highest among the groups gnomAD compares: South Asian, 0.0011%; no homozygotes.

Submission:

Labcorp Genetics (formerly Invitae), Labcorp
Classification: Uncertain significance. Last evaluated: 2022-06-27. Review status: criteria provided, single submitter. Criteria: Invitae Variant Classification Sherloc (09022015). Collection method: clinical testing. Allele origin: germline.
Comment: This variant is not present in population databases (gnomAD no frequency). This sequence change replaces isoleucine, which is neutral and non-polar, with threonine, which is neutral and polar, at codon 401 of the FZD4 protein (p.Ile401Thr). This variant has not been reported in the literature in individuals affected with FZD4-related conditions. ClinVar contains an entry for this variant (Variation ID: 1052260). Algorithms developed to predict the effect of missense changes on protein structure and function are either unavailable or do not agree on the potential impact of this missense change (SIFT: "Deleterious"; PolyPhen-2: "Possibly Damaging"; Align-GVGD: "Class C0"). In summary, the available evidence is currently insufficient to determine the role of this variant in disease. Therefore, it has been classified as a Variant of Uncertain Significance.

NM_012193.4(FZD4):c.1202T>C (p.Ile401Thr)

Genes: FZD4 (frizzled class receptor 4; minus strand), PRSS23 (serine protease 23; plus strand). Cytogenetic location: 11q14.2.
Variant type: single nucleotide variant.
Coding change: c.1202T>C on transcript NM_012193.4 (MANE Select); coding-DNA position 1202, T replaced by C.
Protein change: p.Ile401Thr; replaces isoleucine 401 with threonine.
Molecular consequence: missense variant. On other transcripts: non-coding transcript variant (2).
Genome position (GRCh38, 1-based): chr11:86,951,554, A>G on the plus strand (T>C on the coding strand, the complement: FZD4 is on the minus strand). VCF-style: chr11-86951554-A-G. GRCh37 (hg19) VCF-style: chr11-86662596-A-G.
Other names: short protein forms I401T.
Identifiers: ClinVar variation 1052260 (VCV001052260.10), dbSNP rs982041642, ClinGen allele CA225380783.